The following is an entry in ClinVar:

ClinVar aggregate classification (germline): Uncertain significance (1 of 4 stars; one submission).

Conditions:
Autosomal dominant nonsyndromic hearing loss 1. Also called: KONIGSMARK SYNDROME; DEAFNESS, AUTOSOMAL DOMINANT 1, WITH OR WITHOUT THROMBOCYTOPENIA. Identifiers: Orphanet 90635, MedGen C1852282, MONDO:0007424, OMIM 124900.
Progressive microcephaly-seizures-cortical blindness-developmental delay syndrome. Also called: Seizures, cortical blindness, and microcephaly syndrome. Identifiers: Orphanet 477814, MedGen C5567650, MONDO:0014714, OMIM 616632.

Allele frequency attached by ClinVar (database versions not stated): ExAC 0.00003.
gnomAD v4.1: 3 of 1,569,980 alleles (0.00019%); highest among the groups gnomAD compares: Middle Eastern, 0.019%; no homozygotes.

Submission:

Labcorp Genetics (formerly Invitae), Labcorp
Classification: Uncertain significance for Progressive microcephaly-seizures-cortical blindness-developmental delay syndrome; Autosomal dominant nonsyndromic hearing loss 1. Last evaluated: 2024-10-15. Review status: criteria provided, single submitter. Criteria: Invitae Variant Classification Sherloc (09022015). Collection method: clinical testing. Allele origin: germline.
Comment: This sequence change replaces proline, which is neutral and non-polar, with alanine, which is neutral and non-polar, at codon 608 of the DIAPH1 protein (p.Pro608Ala). The frequency data for this variant in the population databases is considered unreliable, as metrics indicate poor data quality at this position in the gnomAD database. This variant has not been reported in the literature in individuals affected with DIAPH1-related conditions. ClinVar contains an entry for this variant (Variation ID: 1414738). An algorithm developed to predict the effect of missense changes on protein structure and function outputs the following: PolyPhen-2: "Not Available". The alanine amino acid residue is found in multiple mammalian species, which suggests that this missense change does not adversely affect protein function. In summary, the available evidence is currently insufficient to determine the role of this variant in disease. Therefore, it has been classified as a Variant of Uncertain Significance.

NM_005219.5(DIAPH1):c.1822C>G (p.Pro608Ala)

Gene: DIAPH1 (diaphanous related formin 1; minus strand). Cytogenetic location: 5q31.3.
Variant type: single nucleotide variant.
Coding change: c.1822C>G on transcript NM_005219.5 (MANE Select); coding-DNA position 1822, C replaced by G.
Protein change: p.Pro608Ala; replaces proline 608 with alanine.
Molecular consequence: missense variant.
Genome position (GRCh38, 1-based): chr5:141,574,028, G>C on the plus strand (C>G on the coding strand, the complement: DIAPH1 is on the minus strand). VCF-style: chr5-141574028-G-C. GRCh37 (hg19) VCF-style: chr5-140953595-G-C.
Other names: c.1795C>G, p.Pro599Ala (NM_001079812.3); c.1822C>G, p.Pro608Ala (NM_001314007.2); short protein forms P599A, P608A.
Identifiers: ClinVar variation 1414738 (VCV001414738.8), dbSNP rs749881969, ClinGen allele CA3479208.